The following is an entry in ClinVar:

ClinVar aggregate classification (germline): Likely pathogenic (1 of 4 stars; one submission).

Conditions:
Glycogen storage disease, type II (IOPD). Also called: Pompe Disease; CARDIOMEGALIA GLYCOGENICA DIFFUSA; GLYCOGENOSIS, GENERALIZED, CARDIAC FORM; GSD II; POMPE DISEASE, INFANTILE-ONSET; GLYCOGEN STORAGE DISEASE II, INFANTILE-ONSET. Identifiers: Orphanet 365, MedGen C0017921, MONDO:0009290, OMIM 232300.

Submission:

Genomenon, Inc
Classification: Likely pathogenic for Glycogen storage disease, type II. Last evaluated: 2026-07-01. Review status: criteria provided, single submitter. Criteria: Genomenon Sequence Variant Interpretation Standards - Updated. Collection method: curation. Allele origin: germline. Affected: yes.
Comment: GAA p.Val400_Asn403del (c.1199_1210del) is an in-frame deletion that results in the loss of multiple amino acids, from Valine at codon 400 to Asparagine at codon 403. This variant has been observed in at least one proband with a GAA-related disorder in the compound heterozygous and/or homozygous state (PMID:25466677;21232767). Functional studies have been reported (PMID:37486520). It is absent or not present at a significant frequency in gnomAD. In conclusion, we classify GAA p.Val400_Asn403del (c.1199_1210del) as a likely pathogenic variant.

Literature cited by the submitters: PubMed 25466677; PubMed 21232767; PubMed 37486520.

NM_000152.5(GAA):c.1199_1210del (p.Val400_Asn403del)

Gene: GAA (alpha glucosidase; plus strand). Cytogenetic location: 17q25.3.
Variant type: Deletion.
Coding change: c.1199_1210del on transcript NM_000152.5 (MANE Select); coding-DNA positions 1199 to 1210, 12 bases deleted (TCCAGTGGAACG).
Protein change: p.Val400_Asn403del.
Molecular consequence: inframe deletion.
Genome position (GRCh38, 1-based): chr17:80,108,701-80,108,712, TCCAGTGGAACG deleted; deleting any 12 consecutive bases within chr17:80,108,698-80,108,712 gives the same sequence; the c. name uses the placement nearest the transcript's 3' end. VCF-style (leftmost placement, unchanged base first): chr17-80108697-GACGTCCAGTGGA-G. GRCh37 (hg19) VCF-style: chr17-78082496-GACGTCCAGTGGA-G.
Other names: c.1199_1210del, p.Val400_Asn403del (NM_001079803.3, NM_001079804.3, NM_001406741.1 and 1 more transcripts).
Identifiers: ClinVar variation 4876289 (VCV004876289.1).